The following is an entry in ClinVar:

ClinVar aggregate classification (germline): Conflicting classifications of pathogenicity. Review status: criteria provided, conflicting classifications (1 of 4 stars). 3 submissions from 3 submitters: Uncertain significance (2); Likely benign (1). Last evaluated 2025-07-08.

Conditions:
A2ML1-related disorder. Also called: A2ML1-related condition.

Allele frequency attached by ClinVar (database versions not stated): gnomAD 0.00006 and 0.00007; ESP Exome Variant Server 0.00008; gnomAD exomes 0.00008; TOPMed 0.00012; ExAC 0.00013; 1000 Genomes Project 0.00020; 1000 Genomes Project 30x 0.00031.
gnomAD v4.1: 66 of 1,613,774 alleles (0.0041%); highest among the groups gnomAD compares: Admixed American, 0.018%; no homozygotes.

Submissions (3):

PreventionGenetics, part of Exact Sciences
Classification: Uncertain significance for A2ML1-related condition. Last evaluated: 2025-07-08. Review status: criteria provided, single submitter. Criteria: ACMG Guidelines, 2015. Collection method: clinical testing. Allele origin: germline.
Comment: The A2ML1 c.418C>T variant is predicted to result in the amino acid substitution p.Arg140Cys. To our knowledge, this variant has not been reported in the literature. This variant is reported in 0.014% of alleles in individuals of European (Non-Finnish) descent in gnomAD. Although we suspect that this variant may be benign, at this time, the clinical significance of this variant is uncertain due to the absence of conclusive functional and genetic evidence.

Labcorp Genetics (formerly Invitae), Labcorp
Classification: Uncertain significance. Last evaluated: 2025-04-26. Review status: criteria provided, single submitter. Criteria: Invitae Variant Classification Sherloc (09022015). Collection method: clinical testing. Allele origin: germline.
Comment: This sequence change replaces arginine, which is basic and polar, with cysteine, which is neutral and slightly polar, at codon 140 of the A2ML1 protein (p.Arg140Cys). This variant is present in population databases (rs199919065, gnomAD 0.01%). This variant has not been reported in the literature in individuals affected with A2ML1-related conditions. ClinVar contains an entry for this variant (Variation ID: 1024066). An algorithm developed to predict the effect of missense changes on protein structure and function outputs the following: PolyPhen-2: "Probably Damaging". The cysteine amino acid residue is found in multiple mammalian species, which suggests that this missense change does not adversely affect protein function. In summary, the available evidence is currently insufficient to determine the role of this variant in disease. Therefore, it has been classified as a Variant of Uncertain Significance.

Women's Health and Genetics/Laboratory Corporation of America, LabCorp
Classification: Likely benign. Last evaluated: 2022-03-28. Review status: criteria provided, single submitter. Criteria: LabCorp Variant Classification Summary - May 2015. Collection method: clinical testing. Allele origin: germline.
Comment: Variant summary: A2ML1 c.418C>T (p.Arg140Cys) results in a non-conservative amino acid change located in the Macroglobulin domain (IPR002890) of the encoded protein sequence. Three of five in-silico tools predict a damaging effect of the variant on protein function. The variant allele was found at a frequency of 8e-05 in 249522 control chromosomes (gnomAD). The observed variant frequency is approximately 20 fold of the estimated maximal expected allele frequency for a pathogenic variant in A2ML1 causing Noonan Syndrome phenotype (4e-06), strongly suggesting that the variant is benign. To our knowledge, no occurrence of c.418C>T in individuals affected with Noonan Syndrome and no experimental evidence demonstrating its impact on protein function have been reported. One clinical diagnostic laboratory has submitted clinical-significance assessments for this variant to ClinVar after 2014 and classified the variant as uncertain significance. Based on the evidence outlined above, the variant was classified as likely benign.

NM_144670.6(A2ML1):c.418C>T (p.Arg140Cys)

Genes: A2ML1 (alpha-2-macroglobulin like 1; plus strand), A2ML1-AS1 (A2ML1 antisense RNA 1; minus strand). Cytogenetic location: 12p13.31.
Variant type: single nucleotide variant.
Coding change: c.418C>T on transcript NM_144670.6 (MANE Select); coding-DNA position 418, C replaced by T.
Protein change: p.Arg140Cys; replaces arginine 140 with cysteine.
Molecular consequence: missense variant.
Genome position (GRCh38, 1-based): chr12:8,829,735, C>T. VCF-style: chr12-8829735-C-T. GRCh37 (hg19) VCF-style: chr12-8982331-C-T.
Other names: short protein forms R140C.
Identifiers: ClinVar variation 1024066 (VCV001024066.9), dbSNP rs199919065, ClinGen allele CA6435274.